The following is an entry in ClinVar:

NM_005228.5(EGFR):c.70G>A (p.Ala24Thr)

Gene: EGFR (epidermal growth factor receptor; plus strand). Cytogenetic location: 7p11.2.
Variant type: single nucleotide variant.
Coding change: c.70G>A on transcript NM_005228.5 (MANE Select); coding-DNA position 70, G replaced by A.
Protein change: p.Ala24Thr; replaces alanine 24 with threonine.
Molecular consequence: missense variant.
Genome position (GRCh38, 1-based): chr7:55,019,347, G>A. VCF-style: chr7-55019347-G-A. GRCh37 (hg19) VCF-style: chr7-55087040-G-A.
Other names: c.70G>A, p.Ala24Thr (NM_001346897.2, NM_001346898.2, NM_001346899.2 and 4 more transcripts); short protein forms A24T.
Identifiers: ClinVar variation 961288 (VCV000961288.32), dbSNP rs911767401, ClinGen allele CA159566185.

ClinVar aggregate classification (germline): Conflicting classifications of pathogenicity. Review status: criteria provided, conflicting classifications (1 of 4 stars). 3 submissions from 3 submitters: Uncertain significance (2); Likely benign (1). Last evaluated 2026-01-26.

Conditions:
EGFR-related lung cancer (EGFR). Identifiers: MedGen CN130014.
Hereditary cancer-predisposing syndrome. Also called: Hereditary Cancer Syndrome; Hereditary neoplastic syndrome; Neoplastic Syndromes, Hereditary; Tumor predisposition. Identifiers: Orphanet 140162, MedGen C0027672, MeSH D009386, MONDO:0015356.

Allele frequency attached by ClinVar (database versions not stated): gnomAD 0.00001; gnomAD exomes 0.00001; TOPMed 0.00003; 1000 Genomes Project 30x 0.00016.

Submissions (3):

Labcorp Genetics (formerly Invitae), Labcorp
Classification: Uncertain significance for EGFR-related lung cancer. Last evaluated: 2026-01-26. Review status: criteria provided, single submitter. Criteria: Invitae Variant Classification Sherloc (09022015). Collection method: clinical testing. Allele origin: germline.
Comment: This sequence change replaces alanine, which is neutral and non-polar, with threonine, which is neutral and polar, at codon 24 of the EGFR protein (p.Ala24Thr). The frequency data for this variant in the population databases is considered unreliable, as metrics indicate poor data quality at this position in the gnomAD database. This variant has not been reported in the literature in individuals affected with EGFR-related conditions. ClinVar contains an entry for this variant (Variation ID: 961288). An algorithm developed to predict the effect of missense changes on protein structure and function outputs the following: PolyPhen-2: "Probably Damaging". The threonine amino acid residue is found in multiple mammalian species, which suggests that this missense change does not adversely affect protein function. In summary, the available evidence is currently insufficient to determine the role of this variant in disease. Therefore, it has been classified as a Variant of Uncertain Significance.

Ambry Genetics
Classification: Likely benign for Hereditary cancer-predisposing syndrome. Last evaluated: 2025-05-13. Review status: criteria provided, single submitter. Criteria: Ambry Variant Classification Scheme 2023. Collection method: clinical testing. Allele origin: germline.

CeGaT Center for Human Genetics Tuebingen
Classification: Uncertain significance. Last evaluated: 2023-11-01. Review status: criteria provided, single submitter. Criteria: CeGaT Center For Human Genetics Tuebingen Variant Classification Criteria Version 2. Collection method: clinical testing. Allele origin: germline. Affected: yes. Observed: 1 variant allele.
Comment: EGFR: PM2